The following is an entry in ClinVar:

ClinVar aggregate classification (germline): Pathogenic (1 of 4 stars; one submission).

Conditions:
Perrault syndrome 4 (PRLTS4). Identifiers: Orphanet 2855, MedGen C3809105, MONDO:0014126, OMIM 615300.

gnomAD v4.1: 1 of 1,614,040 alleles (0.000062%); highest among the groups gnomAD compares: African/African-American, 0.0013%; no homozygotes.

Submission:

Institute of Rare Diseases, West China Hospital, Sichuan University
Classification: Pathogenic for Perrault syndrome 4. Last evaluated: 2025-01-09. Review status: criteria provided, single submitter. Criteria: ClinGen HL ACMG Specifications v1. Collection method: research. Allele origin: germline. Affected: yes.
Comment: PVS1;PM3;PM2_Supporting

NM_015340.4(LARS2):c.1498G>T (p.Glu500Ter)

Genes: LARS2 (leucyl-tRNA synthetase 2, mitochondrial; plus strand), LARS2-AS1 (LARS2 antisense RNA 1; minus strand). Cytogenetic location: 3p21.31.
Variant type: single nucleotide variant.
Coding change: c.1498G>T on transcript NM_015340.4 (MANE Select); coding-DNA position 1498, G replaced by T.
Protein change: p.Glu500Ter; replaces glutamic acid 500 with a stop codon.
Molecular consequence: nonsense.
Genome position (GRCh38, 1-based): chr3:45,491,775, G>T. VCF-style: chr3-45491775-G-T. GRCh37 (hg19) VCF-style: chr3-45533267-G-T.
Other names: c.1498G>T, p.Glu500Ter (NM_001368263.1); short protein forms E500*.
Identifiers: ClinVar variation 3601186 (VCV003601186.1).
Genomic context (GRCh38, chr3:45,491,775, plus strand): 5'-ACCCTGCCCAACATCGCGTCTTTCACTGGCAAGGGAGGCCCCCCACTGGCCATGGCTTCA[G>T]AGTGGGTGAACTGCTCCTGCCCAAGGTAAGGAGCCACATCCCTGCAGTGGTGACTGTGCC-3'